The following is an entry in ClinVar:

ClinVar aggregate classification (germline): Uncertain significance (1 of 4 stars; one submission).

Conditions:
Primary ciliary dyskinesia. Also called: Ciliary dyskinesia. Identifiers: Orphanet 244, MedGen C0008780, MONDO:0016575, HP:0012265.

Submission:

Labcorp Genetics (formerly Invitae), Labcorp
Classification: Uncertain significance for Primary ciliary dyskinesia. Last evaluated: 2019-06-04. Review status: criteria provided, single submitter. Criteria: Invitae Variant Classification Sherloc (09022015). Collection method: clinical testing. Allele origin: germline.
Comment: This sequence change replaces leucine with phenylalanine at codon 480 of the DNAH5 protein (p.Leu480Phe). The leucine residue is highly conserved and there is a small physicochemical difference between leucine and phenylalanine. This variant is not present in population databases (ExAC no frequency). This variant has not been reported in the literature in individuals with DNAH5-related conditions. Algorithms developed to predict the effect of missense changes on protein structure and function are either unavailable or do not agree on the potential impact of this missense change (SIFT: "Deleterious"; PolyPhen-2: "Possibly Damaging"; Align-GVGD: "Class C0"). In summary, the available evidence is currently insufficient to determine the role of this variant in disease. Therefore, it has been classified as a Variant of Uncertain Significance.

NM_001369.3(DNAH5):c.1438C>T (p.Leu480Phe)

Gene: DNAH5 (dynein axonemal heavy chain 5; minus strand). Cytogenetic location: 5p15.2.
Variant type: single nucleotide variant.
Coding change: c.1438C>T on transcript NM_001369.3 (MANE Select); coding-DNA position 1438, C replaced by T.
Protein change: p.Leu480Phe; replaces leucine 480 with phenylalanine.
Molecular consequence: missense variant.
Genome position (GRCh38, 1-based): chr5:13,913,841, G>A on the plus strand (C>T on the coding strand, the complement: DNAH5 is on the minus strand). VCF-style: chr5-13913841-G-A. GRCh37 (hg19) VCF-style: chr5-13913950-G-A.
Other names: short protein forms L480F.
Identifiers: ClinVar variation 658939 (VCV000658939.11), dbSNP rs1580863552, ClinGen allele CA359213932.